The following is an entry in ClinVar:

ClinVar aggregate classification (germline): Pathogenic/Likely pathogenic. Review status: criteria provided, multiple submitters, no conflicts (2 of 4 stars). 4 submissions from 4 submitters: Pathogenic (2); Likely pathogenic (2). Last evaluated 2026-03-05.

Conditions:
RDH5-related disorder. Also called: RDH5-related condition.
Retinal dystrophy. Also called: Inherited retinal dystrophy. Identifiers: Orphanet 71862, MedGen C0854723, MeSH D058499, MONDO:0019118, HP:0000556.

Allele frequency attached by ClinVar (database versions not stated): gnomAD exomes below 0.00001 and 0.00002; gnomAD 0.00001; ExAC 0.00002; TOPMed 0.00002.

Submissions (4):

Dasa
Classification: Likely pathogenic. Last evaluated: 2026-03-05. Review status: criteria provided, single submitter. Criteria: DASA Assertion Criteria. Collection method: clinical testing. Allele origin: germline.
Comment: NM_002905.5(RDH5):c.632_633del (p.Pro211Argfs*47) is a frameshift variant in RDH5 predicted to alter the reading frame and introduce a premature termination codon and is predicted to result in an absent or altered protein product. Loss of function is an established disease mechanism for RDH5-associated disorders. This variant has been reported in individuals with RDH5-related disorders (PMID: 39462066). Also, this variant is rare in population databases. Based on the currently available evidence, this variant is classified as likely pathogenic.

Blueprint Genetics
Classification: Likely pathogenic for RDH5-related disorders. Last evaluated: 2022-04-21. Review status: criteria provided, single submitter. Criteria: ACMG Guidelines, 2015. Collection method: clinical testing. Allele origin: germline. Affected: yes. Observed: 2 variant alleles.

Institute of Human Genetics, Univ. Regensburg, Univ. Regensburg
Classification: Pathogenic for Retinal dystrophy. Last evaluated: 2022-01-01. Review status: criteria provided, single submitter. Criteria: ACMG Guidelines, 2015. Collection method: clinical testing. Allele origin: germline. Affected: yes.

Labcorp Genetics (formerly Invitae), Labcorp
Classification: Pathogenic. Last evaluated: 2021-11-04. Review status: criteria provided, single submitter. Criteria: Invitae Variant Classification Sherloc (09022015). Collection method: clinical testing. Allele origin: germline.
Comment: This variant disrupts a region of the RDH5 protein in which other variant(s) (p.Ala240Glyfs*19) have been determined to be pathogenic (PMID: 11053295, 28393863, 32232344). This suggests that this is a clinically significant region of the protein, and that variants that disrupt it are likely to be disease-causing. This variant has not been reported in the literature in individuals affected with RDH5-related conditions. This variant is present in population databases (rs763855790, gnomAD 0.006%). This sequence change creates a premature translational stop signal (p.Pro211Argfs*47) in the RDH5 gene. While this is not anticipated to result in nonsense mediated decay, it is expected to disrupt the last 108 amino acid(s) of the RDH5 protein. For these reasons, this variant has been classified as Pathogenic.

Literature cited by the submitters: PubMed 39462066 (cited by Dasa); PubMed 31964843 (cited by Institute of Human Genetics, Univ. Regensburg, Univ. Regensburg); PubMed 11053295 (cited by Labcorp Genetics (formerly Invitae), Labcorp); PubMed 28393863 (cited by Labcorp Genetics (formerly Invitae), Labcorp); PubMed 32232344 (cited by Labcorp Genetics (formerly Invitae), Labcorp).

NM_002905.5(RDH5):c.632_633del (p.Pro211fs)

Genes: BLOC1S1-RDH5 (BLOC1S1-RDH5 readthrough; plus strand), CD63 (CD63 molecule; minus strand), RDH5 (retinol dehydrogenase 5; plus strand). Cytogenetic location: 12q13.2.
Variant type: Deletion.
Coding change: c.632_633del on transcript NM_002905.5 (MANE Select); coding-DNA positions 632 to 633, 2 bases deleted (CT; older notation c.632_633delCT).
Protein change: p.Pro211fs; shifts the reading frame from proline 211.
Molecular consequence: frameshift variant. On other transcripts: non-coding transcript variant (1).
Genome position (GRCh38, 1-based): chr12:55,723,948-55,723,949, CT deleted. VCF-style (leftmost placement, unchanged base first): chr12-55723947-CCT-C. GRCh37 (hg19) VCF-style: chr12-56117731-CCT-C.
Other names: c.632_633del, p.Pro211fs (NM_001199771.3); short protein forms P211fs.
Identifiers: ClinVar variation 1452620 (VCV001452620.10), dbSNP rs763855790, ClinGen allele CA6616901.